The following is an entry in ClinVar:

NM_033026.6(PCLO):c.2235C>G (p.Asp745Glu)

Gene: PCLO (piccolo presynaptic cytomatrix protein; minus strand). Cytogenetic location: 7q21.11.
Variant type: single nucleotide variant.
Coding change: c.2235C>G on transcript NM_033026.6 (MANE Select); coding-DNA position 2235, C replaced by G.
Protein change: p.Asp745Glu; replaces aspartic acid 745 with glutamic acid.
Molecular consequence: missense variant.
Genome position (GRCh38, 1-based): chr7:83,135,315, G>C on the plus strand (C>G on the coding strand, the complement: PCLO is on the minus strand). VCF-style: chr7-83135315-G-C. GRCh37 (hg19) VCF-style: chr7-82764631-G-C.
Other names: c.2235C>G, p.Asp745Glu (NM_014510.3); short protein forms D745E.
Identifiers: ClinVar variation 1429575 (VCV001429575.5), dbSNP rs200430921, ClinGen allele CA4321290.

ClinVar aggregate classification (germline): Conflicting classifications of pathogenicity. Review status: criteria provided, conflicting classifications (1 of 4 stars). 3 submissions from 3 submitters: Uncertain significance (2); Likely benign (1). Last evaluated 2026-04-28.

Allele frequency attached by ClinVar (database versions not stated): ExAC 0.00022; gnomAD exomes 0.00026 and 0.00053; gnomAD 0.00027 and 0.00029; TOPMed 0.00028; ESP Exome Variant Server 0.00033.

Submissions (3):

Women's Health and Genetics/Laboratory Corporation of America, LabCorp
Classification: Uncertain significance. Last evaluated: 2026-04-28. Review status: criteria provided, single submitter. Criteria: LabCorp Variant Classification Summary - May 2015. Collection method: clinical testing. Allele origin: germline.
Comment: Variant summary: PCLO c.2235C>G (p.Asp745Glu) results in a conservative amino acid change in the encoded protein sequence. Algorithms developed to predict the effect of missense changes on protein structure and function all suggest that this variant is likely to be tolerated. The variant allele was found at a frequency of 0.00026 in 249240 control chromosomes. This frequency is not significantly higher than estimated for disease-causing variants in PCLO, allowing no conclusion about variant significance. To our knowledge, no occurrence of c.2235C>G in individuals affected with PCLO-related conditions and no experimental evidence demonstrating its impact on protein function have been reported. ClinVar contains an entry for this variant (Variation ID: 1429575). Based on the evidence outlined above, the variant was classified as uncertain significance.

Blueprint Genetics
Classification: Likely benign. Last evaluated: 2024-11-15. Review status: criteria provided, single submitter. Criteria: ACMG Guidelines, 2015. Collection method: clinical testing. Allele origin: germline.

Labcorp Genetics (formerly Invitae), Labcorp
Classification: Uncertain significance. Last evaluated: 2022-10-07. Review status: criteria provided, single submitter. Criteria: Invitae Variant Classification Sherloc (09022015). Collection method: clinical testing. Allele origin: germline.
Comment: This sequence change replaces aspartic acid, which is acidic and polar, with glutamic acid, which is acidic and polar, at codon 745 of the PCLO protein (p.Asp745Glu). This variant is present in population databases (rs200430921, gnomAD 0.1%). This variant has not been reported in the literature in individuals affected with PCLO-related conditions. ClinVar contains an entry for this variant (Variation ID: 1429575). Algorithms developed to predict the effect of missense changes on protein structure and function are either unavailable or do not agree on the potential impact of this missense change (SIFT: "Tolerated"; PolyPhen-2: "Not Available"; Align-GVGD: "Class C0"). In summary, the available evidence is currently insufficient to determine the role of this variant in disease. Therefore, it has been classified as a Variant of Uncertain Significance.